The following is an entry in ClinVar:

NM_016139.4(CHCHD2):c.446-9T>A

Gene: CHCHD2 (coiled-coil-helix-coiled-coil-helix domain containing 2; minus strand). Cytogenetic location: 7p11.2.
Variant type: single nucleotide variant.
Coding change: c.446-9T>A on transcript NM_016139.4 (MANE Select); 9 bases into the intron before coding-DNA position 446, T replaced by A.
Molecular consequence: intron variant.
Genome position (GRCh38, 1-based): chr7:56,101,870, A>T on the plus strand (T>A on the coding strand, the complement: CHCHD2 is on the minus strand). VCF-style: chr7-56101870-A-T. GRCh37 (hg19) VCF-style: chr7-56169563-A-T.
Other names: c.450-9T>A (NM_001320327.2).
Identifiers: ClinVar variation 2195121 (VCV002195121.6), dbSNP rs752018063, ClinGen allele CA4270471.

ClinVar aggregate classification (germline): Uncertain significance. Review status: criteria provided, multiple submitters, no conflicts (2 of 4 stars). 2 submissions from 2 submitters: Uncertain significance (2). Last evaluated 2026-04-01.

Allele frequency attached by ClinVar (database versions not stated): gnomAD 0.00001; gnomAD exomes 0.00002; TOPMed 0.00003; ExAC 0.00004.
gnomAD v4.1: 42 of 1,612,890 alleles (0.0026%); highest among the groups gnomAD compares: Middle Eastern, 0.16%; no homozygotes.

Submissions (2):

CeGaT Center for Human Genetics Tuebingen
Classification: Uncertain significance. Last evaluated: 2026-04-01. Review status: criteria provided, single submitter. Criteria: CeGaT Center For Human Genetics Tuebingen Variant Classification Criteria Version 2. Collection method: clinical testing. Allele origin: germline. Affected: yes. Observed: 1 variant allele.
Comment: CHCHD2: PP3

Labcorp Genetics (formerly Invitae), Labcorp
Classification: Uncertain significance. Last evaluated: 2022-10-01. Review status: criteria provided, single submitter. Criteria: Invitae Variant Classification Sherloc (09022015). Collection method: clinical testing. Allele origin: germline.
Comment: In summary, the available evidence is currently insufficient to determine the role of this variant in disease. Therefore, it has been classified as a Variant of Uncertain Significance. Algorithms developed to predict the effect of sequence changes on RNA splicing suggest that this variant may disrupt the consensus splice site. This variant has not been reported in the literature in individuals affected with CHCHD2-related conditions. This variant is present in population databases (rs752018063, gnomAD 0.005%). This sequence change falls in intron 3 of the CHCHD2 gene. It does not directly change the encoded amino acid sequence of the CHCHD2 protein.